The following is an entry in ClinVar:

ClinVar aggregate classification (germline): Uncertain significance (1 of 4 stars; one submission).

Submission:

GeneDx
Classification: Uncertain significance. Last evaluated: 2023-04-05. Review status: criteria provided, single submitter. Criteria: GeneDx Variant Classification Process June 2021. Collection method: clinical testing. Allele origin: germline. Affected: yes.
Comment: Not observed at significant frequency in large population cohorts (gnomAD); In silico analysis supports that this missense variant does not alter protein structure/function; Has not been previously published as pathogenic or benign to our knowledge

NM_000937.5(POLR2A):c.3890C>A (p.Thr1297Asn)

Genes: POLR2A (RNA polymerase II subunit A; plus strand), LOC126862482 (CDK7 strongly-dependent group 2 enhancer GRCh37_chr17:7414586-7415785; plus strand). Cytogenetic location: 17p13.1.
Variant type: single nucleotide variant.
Coding change: c.3890C>A on transcript NM_000937.5 (MANE Select); coding-DNA position 3890, C replaced by A.
Protein change: p.Thr1297Asn; replaces threonine 1297 with asparagine.
Molecular consequence: missense variant.
Genome position (GRCh38, 1-based): chr17:7,511,291, C>A. VCF-style: chr17-7511291-C-A. GRCh37 (hg19) VCF-style: chr17-7414610-C-A.
Other names: short protein forms T1297N.
Identifiers: ClinVar variation 2499438 (VCV002499438.1), dbSNP rs2508187662, ClinGen allele CA397818785.